The following is an entry in ClinVar:

ClinVar aggregate classification (germline): Uncertain significance. Review status: criteria provided, multiple submitters, no conflicts (2 of 4 stars). 2 submissions from 2 submitters: Uncertain significance (2). Last evaluated 2025-10-02.

Conditions:
KSR2-related disorder. Also called: KSR2-related condition.

gnomAD v4.1: 16 of 1,613,618 alleles (0.00099%); highest among the groups gnomAD compares: Middle Eastern, 0.016%; no homozygotes.

Submissions (2):

Ambry Genetics
Classification: Uncertain significance. Last evaluated: 2025-10-02. Review status: criteria provided, single submitter. Criteria: Ambry Variant Classification Scheme 2023. Collection method: clinical testing. Allele origin: germline.

PreventionGenetics, part of Exact Sciences
Classification: Uncertain significance for KSR2-related condition. Last evaluated: 2024-11-27. Review status: criteria provided, single submitter. Criteria: ACMG Guidelines, 2015. Collection method: clinical testing. Allele origin: germline.
Comment: The KSR2 c.1112C>T variant is predicted to result in the amino acid substitution p.Pro371Leu. To our knowledge, this variant has not been reported in the literature. This variant is reported in 0.0056% of alleles in individuals of East Asian descent in gnomAD. At this time, the clinical significance of this variant is uncertain due to the absence of conclusive functional and genetic evidence.

NM_173598.6(KSR2):c.1199C>T (p.Pro400Leu)

Gene: KSR2 (kinase suppressor of ras 2; minus strand). Cytogenetic location: 12q24.22.
Variant type: single nucleotide variant.
Coding change: c.1199C>T on transcript NM_173598.6 (MANE Select); coding-DNA position 1199, C replaced by T.
Protein change: p.Pro400Leu; replaces proline 400 with leucine.
Molecular consequence: missense variant.
Genome position (GRCh38, 1-based): chr12:117,582,332, G>A on the plus strand (C>T on the coding strand, the complement: KSR2 is on the minus strand). VCF-style: chr12-117582332-G-A. GRCh37 (hg19) VCF-style: chr12-118020137-G-A.
Other names: short protein forms P400L.
Identifiers: ClinVar variation 4545557 (VCV004545557.2).
Genomic context (GRCh38, chr12:117,582,332, plus strand): 5'-CACAGGAATCCAGCCTACCTGTGCTTGATGGAGTTGCCGAGATCTCTGCGAGGGATCTGC[G>A]GGGACCAGCGTGGCACTGACAGTGTGTCTACAGAGAGAAGAGAACAGCCTGTTACACAGA-3'
Protein context (NP_775869.4, residues 390-410): ANTLSVPRWS[Pro400Leu]QIPRRDLGNS